The following is an entry in ClinVar:

NM_015158.5(KANK1):c.805A>G (p.Ile269Val)

Gene: KANK1 (KN motif and ankyrin repeat domains 1; plus strand). Cytogenetic location: 9p24.3.
Variant type: single nucleotide variant.
Coding change: c.805A>G on transcript NM_015158.5 (MANE Select); coding-DNA position 805, A replaced by G.
Protein change: p.Ile269Val; replaces isoleucine 269 with valine.
Molecular consequence: missense variant. On other transcripts: non-coding transcript variant (1).
Genome position (GRCh38, 1-based): chr9:711,571, A>G. VCF-style: chr9-711571-A-G. GRCh37 (hg19) VCF-style: chr9-711571-A-G.
Other names: c.805A>G, p.Ile269Val (NM_001256876.3, NM_001256877.3, NM_001354331.2 and 2 more transcripts); c.331A>G, p.Ile111Val (NM_001354333.2, NM_001354335.2, NM_001354336.2 and 9 more transcripts); short protein forms I111V, I269V.
Identifiers: ClinVar variation 3606382 (VCV003606382.2).

ClinVar aggregate classification (germline): Uncertain significance (1 of 4 stars; one submission).

gnomAD v4.1: 7 of 1,614,070 alleles (0.00043%); highest among the groups gnomAD compares: Admixed American, 0.005%; no homozygotes.

Submission:

Labcorp Genetics (formerly Invitae), Labcorp
Classification: Uncertain significance. Last evaluated: 2024-05-20. Review status: criteria provided, single submitter. Criteria: Invitae Variant Classification Sherloc (09022015). Collection method: clinical testing. Allele origin: germline.
Comment: This sequence change replaces isoleucine, which is neutral and non-polar, with valine, which is neutral and non-polar, at codon 269 of the KANK1 protein (p.Ile269Val). This variant is present in population databases (no rsID available, gnomAD 0.003%). This variant has not been reported in the literature in individuals affected with KANK1-related conditions. Advanced modeling of protein sequence and biophysical properties (such as structural, functional, and spatial information, amino acid conservation, physicochemical variation, residue mobility, and thermodynamic stability) performed at Invitae indicates that this missense variant is not expected to disrupt KANK1 protein function with a negative predictive value of 80%. In summary, the available evidence is currently insufficient to determine the role of this variant in disease. Therefore, it has been classified as a Variant of Uncertain Significance.